The following is an entry in ClinVar:

NM_001761.3(CCNF):c.1851C>T (p.Gly617=)

Gene: CCNF (cyclin F; plus strand). Cytogenetic location: 16p13.3.
Variant type: single nucleotide variant.
Coding change: c.1851C>T on transcript NM_001761.3 (MANE Select); coding-DNA position 1851, C replaced by T.
Protein change: p.Gly617=; no amino-acid change (glycine 617 retained).
Molecular consequence: synonymous variant.
Genome position (GRCh38, 1-based): chr16:2,455,530, C>T. VCF-style: chr16-2455530-C-T. GRCh37 (hg19) VCF-style: chr16-2505531-C-T.
Other names: NC_000016.9:g.2505531C>T; p.Gly617=; c.927C>T, p.Gly309= (NM_001323538.2).
Identifiers: ClinVar variation 715829 (VCV000715829.10), dbSNP rs117232772, ClinGen allele CA7842745.

ClinVar aggregate classification (germline): Benign/Likely benign. Review status: criteria provided, multiple submitters, no conflicts (2 of 4 stars). 3 submissions from 3 submitters: Benign (2); Likely benign (1). Last evaluated 2026-09-01.

Allele frequency attached by ClinVar (database versions not stated): 1000 Genomes Project 0.00100; 1000 Genomes Project 30x 0.00109; ExAC 0.00181; gnomAD exomes 0.00181; TOPMed 0.00187; gnomAD 0.00188; ESP Exome Variant Server 0.00254.

Submissions (12):

CeGaT Center for Human Genetics Tuebingen
Classification: Likely benign. Last evaluated: 2026-09-01. Review status: criteria provided, single submitter. Criteria: CeGaT Center For Human Genetics Tuebingen Variant Classification Criteria Version 2. Collection method: clinical testing. Allele origin: germline. Affected: yes. Observed: 8 variant alleles.
Comment: CCNF: BS1

Mayo Clinic Laboratories, Mayo Clinic
Classification: Benign. Last evaluated: 2024-10-09. Review status: criteria provided, single submitter. Criteria: ACMG Guidelines, 2015. Collection method: clinical testing. Allele origin: germline. Observed: 3 variant alleles.
Comment: BS1, BS2

Labcorp Genetics (formerly Invitae), Labcorp
Classification: Benign. Last evaluated: 2019-12-31. Review status: criteria provided, single submitter. Criteria: Invitae Variant Classification Sherloc (09022015). Collection method: clinical testing. Allele origin: germline.

Dr. Peter K. Rogan Lab, Western University
No classification provided (evidence only). Condition: Melanoma. Review status: no classification provided. Collection method: in vitro. Allele origin: not applicable. Functional consequence: retained intron. Not counted in ClinVar's aggregate classification.

Dr. Peter K. Rogan Lab, Western University
No classification provided (evidence only). Condition: Melanoma. Review status: no classification provided. Collection method: in vitro. Allele origin: not applicable. Functional consequence: retained intron. Not counted in ClinVar's aggregate classification.

Dr. Peter K. Rogan Lab, Western University
No classification provided (evidence only). Condition: Colon adenocarcinoma. Review status: no classification provided. Collection method: in vitro. Allele origin: not applicable. Functional consequence: retained intron. Not counted in ClinVar's aggregate classification.

Dr. Peter K. Rogan Lab, Western University
No classification provided (evidence only). Condition: Cervical cancer. Review status: no classification provided. Collection method: in vitro. Allele origin: not applicable. Functional consequence: retained intron. Not counted in ClinVar's aggregate classification.

Dr. Peter K. Rogan Lab, Western University
No classification provided (evidence only). Condition: Sarcoma. Review status: no classification provided. Collection method: in vitro. Allele origin: not applicable. Functional consequence: retained intron. Not counted in ClinVar's aggregate classification.

Dr. Peter K. Rogan Lab, Western University
No classification provided (evidence only). Condition: Hepatocellular carcinoma. Review status: no classification provided. Collection method: in vitro. Allele origin: not applicable. Functional consequence: retained intron. Not counted in ClinVar's aggregate classification.

Dr. Peter K. Rogan Lab, Western University
No classification provided (evidence only). Condition: Hepatocellular carcinoma. Review status: no classification provided. Collection method: in vitro. Allele origin: not applicable. Functional consequence: retained intron. Not counted in ClinVar's aggregate classification.

Dr. Peter K. Rogan Lab, Western University
No classification provided (evidence only). Condition: Gastric cancer. Review status: no classification provided. Collection method: in vitro. Allele origin: not applicable. Functional consequence: retained intron. Not counted in ClinVar's aggregate classification.

Dr. Peter K. Rogan Lab, Western University
No classification provided (evidence only). Condition: Gastric cancer. Review status: no classification provided. Collection method: in vitro. Allele origin: not applicable. Functional consequence: retained intron. Not counted in ClinVar's aggregate classification.